The following is an entry in ClinVar:

ClinVar aggregate classification (germline): Uncertain significance (1 of 4 stars; one submission).

Conditions:
Glomerulopathy with fibronectin deposits 2 (GFND2). Identifiers: Orphanet 84090, MedGen C1866075, MONDO:0011165, OMIM 601894.

Submission:

Neuberg Centre For Genomic Medicine, NCGM
Classification: Uncertain significance for Glomerulopathy with fibronectin deposits 2. Last evaluated: 2024-02-01. Review status: criteria provided, single submitter. Criteria: ACMG Guidelines, 2015. Collection method: clinical testing. Allele origin: germline. Inheritance: Autosomal dominant inheritance.
Comment: The above variant has not been reported previously as a pathogenic variant nor as a benign variant, to our knowledge.

NM_212482.4(FN1):c.3055C>T (p.Pro1019Ser)

Gene: FN1 (fibronectin 1; minus strand). Cytogenetic location: 2q35.
Variant type: single nucleotide variant.
Coding change: c.3055C>T on transcript NM_212482.4 (MANE Select); coding-DNA position 3055, C replaced by T.
Protein change: p.Pro1019Ser; replaces proline 1019 with serine.
Molecular consequence: missense variant.
Genome position (GRCh38, 1-based): chr2:215,404,587, G>A on the plus strand (C>T on the coding strand, the complement: FN1 is on the minus strand). VCF-style: chr2-215404587-G-A. GRCh37 (hg19) VCF-style: chr2-216269310-G-A.
Other names: c.3055C>T, p.Pro1019Ser (NM_001306129.2, NM_001306130.2, NM_001306131.2 and 13 more transcripts); short protein forms P1019S.
Identifiers: ClinVar variation 3897956 (VCV003897956.1).